The following is an entry in ClinVar:

ClinVar aggregate classification (germline): Benign. Review status: criteria provided, multiple submitters, no conflicts (2 of 4 stars). 3 submissions from 3 submitters: Benign (3). Last evaluated 2023-11-12.

Allele frequency attached by ClinVar (database versions not stated): ESP Exome Variant Server 0.37035; gnomAD 0.38125 and 0.38470; TOPMed 0.38214; gnomAD exomes 0.40128; 1000 Genomes Project 30x 0.40272; 1000 Genomes Project 0.40735.
gnomAD v4.1: 642,491 of 1,605,568 alleles (40%); highest among the groups gnomAD compares: East Asian, 49%; 130,037 homozygotes.

Submissions (3):

Unidad de Genómica Garrahan, Hospital de Pediatría Garrahan
Classification: Benign. Last evaluated: 2023-11-12. Review status: criteria provided, single submitter. Criteria: ACMG Guidelines, 2015. Collection method: clinical testing. Allele origin: germline. Affected: no. Observed: 65 variant alleles.
Comment: This variant is classified as Benign based on local population frequency. This variant was detected in 68% of patients studied by a panel of primary immunodeficiencies. Number of patients: 65. Only high quality variants are reported.

GeneDx
Classification: Benign. Last evaluated: 2015-03-03. Review status: criteria provided, single submitter. Criteria: GeneDx Variant Classification Process June 2021. Collection method: clinical testing. Allele origin: germline. Affected: yes.

Breakthrough Genomics
Classification: Benign. Review status: criteria provided, single submitter. Criteria: ACMG Guidelines, 2015. Collection method: not provided. Allele origin: germline. Inheritance: Autosomal dominant inheritance. Affected: yes.

NM_000043.6(FAS):c.506-71C>G

Gene: FAS (Fas cell surface death receptor; plus strand). Cytogenetic location: 10q23.31.
Variant type: single nucleotide variant.
Coding change: c.506-71C>G on transcript NM_000043.6 (MANE Select); 71 bases into the intron before coding-DNA position 506, C replaced by G.
Molecular consequence: intron variant.
Genome position (GRCh38, 1-based): chr10:89,010,682, C>G. VCF-style: chr10-89010682-C-G. GRCh37 (hg19) VCF-style: chr10-90770439-C-G.
Other names: c.506-71C>G (NM_152872.4, NM_001320619.2); c.505+82C>G (NM_152871.4).
Identifiers: ClinVar variation 1291170 (VCV001291170.5), dbSNP rs2296600, ClinGen allele CA13271822.
Genomic context (GRCh38, chr10:89,010,682, plus strand): 5'-TATTCTCCTTTCCCCCAACCCCATGGAAAGATGTGAAGAAAAACCAATCACTCTTGATTA[C>G]TAGAAAGTCCTTTATTTAATCTTAAAGATTGCTTATTTTCATATAAAATGTCCAATGTTC-3'